The following is an entry in ClinVar:

ClinVar aggregate classification (germline): Uncertain significance. Review status: criteria provided, multiple submitters, no conflicts (2 of 4 stars). 2 submissions from 2 submitters: Uncertain significance (2). Last evaluated 2025-08-13.

Conditions:
Inborn genetic diseases. Identifiers: MedGen C0950123, MeSH D030342.

Allele frequency attached by ClinVar (database versions not stated): gnomAD exomes 0.00002; gnomAD 0.00004; TOPMed 0.00006; ExAC 0.00007.

Submissions (2):

Ambry Genetics
Classification: Uncertain significance for Inborn genetic diseases. Last evaluated: 2025-08-13. Review status: criteria provided, single submitter. Criteria: Ambry Variant Classification Scheme 2023. Collection method: clinical testing. Allele origin: germline.

GeneDx
Classification: Uncertain significance. Last evaluated: 2022-02-04. Review status: criteria provided, single submitter. Criteria: GeneDx Variant Classification Process June 2021. Collection method: clinical testing. Allele origin: germline. Affected: yes.
Comment: In silico analysis supports that this missense variant has a deleterious effect on protein structure/function; Has not been previously published as pathogenic or benign to our knowledge

NM_148960.3(CLDN19):c.316C>T (p.Arg106Trp)

Gene: CLDN19 (claudin 19; minus strand). Cytogenetic location: 1p34.2.
Variant type: single nucleotide variant.
Coding change: c.316C>T on transcript NM_148960.3 (MANE Select); coding-DNA position 316, C replaced by T.
Protein change: p.Arg106Trp; replaces arginine 106 with tryptophan.
Molecular consequence: missense variant.
Genome position (GRCh38, 1-based): chr1:42,738,493, G>A on the plus strand (C>T on the coding strand, the complement: CLDN19 is on the minus strand). VCF-style: chr1-42738493-G-A. GRCh37 (hg19) VCF-style: chr1-43204164-G-A.
Other names: c.316C>T, p.Arg106Trp (NM_001123395.2, NM_001185117.2); short protein forms R106W.
Identifiers: ClinVar variation 1705005 (VCV001705005.3), dbSNP rs752086015, ClinGen allele CA801405.